The following is an entry in ClinVar:

NM_014140.4(SMARCAL1):c.1860G>T (p.Trp620Cys)

Gene: SMARCAL1 (SNF2 related chromatin remodeling annealing helicase 1; plus strand). Cytogenetic location: 2q35.
Variant type: single nucleotide variant.
Coding change: c.1860G>T on transcript NM_014140.4 (MANE Select); coding-DNA position 1860, G replaced by T.
Protein change: p.Trp620Cys; replaces tryptophan 620 with cysteine.
Molecular consequence: missense variant.
Genome position (GRCh38, 1-based): chr2:216,450,854, G>T. VCF-style: chr2-216450854-G-T. GRCh37 (hg19) VCF-style: chr2-217315577-G-T.
Other names: c.1860G>T, p.Trp620Cys (NM_001127207.2); short protein forms W620C.
Identifiers: ClinVar variation 1979827 (VCV001979827.4), dbSNP rs909012139, ClinGen allele CA350501914.
Genomic context (GRCh38, chr2:216,450,854, plus strand): 5'-GACTGGGCCTGAAAGGAGCCTCATGGGGCTGTCGCTGTCTTGTTCTCTGCAGATGCCTTG[G>T]GGGTGGGACTACTCAGGTTCCTCCAACCTGGGAGAGCTGAAGCTCCTGCTGGAGGAAGCA-3'
Protein context (NP_054859.2, residues 610-630): LRYCDAKRMP[Trp620Cys]GWDYSGSSNL

ClinVar aggregate classification (germline): Uncertain significance (1 of 4 stars; one submission).

Conditions:
Schimke immuno-osseous dysplasia (SIOD). Also called: Schimke Immunoosseous Dysplasia. Identifiers: Orphanet 1830, MedGen C0877024, MONDO:0009458, OMIM 242900.

Submission:

Labcorp Genetics (formerly Invitae), Labcorp
Classification: Uncertain significance for Schimke immuno-osseous dysplasia. Last evaluated: 2021-12-25. Review status: criteria provided, single submitter. Criteria: Invitae Variant Classification Sherloc (09022015). Collection method: clinical testing. Allele origin: germline.
Comment: In summary, the available evidence is currently insufficient to determine the role of this variant in disease. Therefore, it has been classified as a Variant of Uncertain Significance. Algorithms developed to predict the effect of sequence changes on RNA splicing suggest that this variant may create or strengthen a splice site. Algorithms developed to predict the effect of missense changes on protein structure and function are either unavailable or do not agree on the potential impact of this missense change (SIFT: "Deleterious"; PolyPhen-2: "Probably Damaging"; Align-GVGD: "Class C15"). This variant has not been reported in the literature in individuals affected with SMARCAL1-related conditions. This variant is present in population databases (no rsID available, gnomAD 0.003%). This sequence change replaces tryptophan, which is neutral and slightly polar, with cysteine, which is neutral and slightly polar, at codon 620 of the SMARCAL1 protein (p.Trp620Cys).